The following is an entry in ClinVar:

NM_018979.4(WNK1):c.5314A>C (p.Thr1772Pro)

Gene: WNK1 (WNK lysine deficient protein kinase 1; plus strand). Cytogenetic location: 12p13.33.
Variant type: single nucleotide variant.
Coding change: c.5314A>C on transcript NM_018979.4 (MANE Select); coding-DNA position 5314, A replaced by C.
Protein change: p.Thr1772Pro; replaces threonine 1772 with proline.
Molecular consequence: missense variant.
Genome position (GRCh38, 1-based): chr12:887,254, A>C. VCF-style: chr12-887254-A-C. GRCh37 (hg19) VCF-style: chr12-996420-A-C.
Other names: c.6094A>C, p.Thr2032Pro (NM_001184985.2); c.4573A>C, p.Thr1525Pro (NM_014823.3); c.6070A>C, p.Thr2024Pro (NM_213655.5); short protein forms T1772P, T2024P, T1525P, T2032P.
Identifiers: ClinVar variation 577086 (VCV000577086.12), dbSNP rs1183977237, ClinGen allele CA383333057.

ClinVar aggregate classification (germline): Uncertain significance. Review status: criteria provided, multiple submitters, no conflicts (2 of 4 stars). 2 submissions from 2 submitters: Uncertain significance (2). Last evaluated 2024-12-16.

Conditions:
Neuropathy, hereditary sensory and autonomic, type 2A (HSAN2A). Also called: HSAN IIA; ACROOSTEOLYSIS, GIACCAI TYPE; ACROOSTEOLYSIS, NEUROGENIC; WNK1-Related HSAN2 (HSAN2A); MORVAN DISEASE; NEUROPATHY, CONGENITAL SENSORY. Identifiers: Orphanet 970, MedGen C2752089, MONDO:0024309, OMIM 201300.
Pseudohypoaldosteronism type 2C (PHA2C). Also called: Pseudohypoaldosteronism Type IIC. Identifiers: Orphanet 757, Orphanet 88940, MedGen C1840391, MONDO:0013778, OMIM 614492.

Allele frequency attached by ClinVar (database versions not stated): gnomAD exomes below 0.00001 and 0.00001.
gnomAD v4.1: 10 of 1,614,104 alleles (0.00062%); highest among the groups gnomAD compares: Non-Finnish European, 0.00085%; no homozygotes.

Submissions (2):

Labcorp Genetics (formerly Invitae), Labcorp
Classification: Uncertain significance for Neuropathy, hereditary sensory and autonomic, type 2A; Pseudohypoaldosteronism type 2C. Last evaluated: 2024-12-16. Review status: criteria provided, single submitter. Criteria: Invitae Variant Classification Sherloc (09022015). Collection method: clinical testing. Allele origin: germline.
Comment: This sequence change replaces threonine, which is neutral and polar, with proline, which is neutral and non-polar, at codon 2024 of the WNK1 protein (p.Thr2024Pro). This variant is present in population databases (no rsID available, gnomAD 0.0009%). This variant has not been reported in the literature in individuals affected with WNK1-related conditions. ClinVar contains an entry for this variant (Variation ID: 577086). Invitae Evidence Modeling of protein sequence and biophysical properties (such as structural, functional, and spatial information, amino acid conservation, physicochemical variation, residue mobility, and thermodynamic stability) indicates that this missense variant is not expected to disrupt WNK1 protein function with a negative predictive value of 95%. In summary, the available evidence is currently insufficient to determine the role of this variant in disease. Therefore, it has been classified as a Variant of Uncertain Significance.

Fulgent Genetics
Classification: Uncertain significance for Neuropathy, hereditary sensory and autonomic, type 2A; Pseudohypoaldosteronism type 2C. Last evaluated: 2022-04-29. Review status: criteria provided, single submitter. Criteria: ACMG Guidelines, 2015. Collection method: clinical testing. Allele origin: unknown.